The following is an entry in ClinVar:

ClinVar aggregate classification (germline): Benign. Review status: criteria provided, multiple submitters, no conflicts (2 of 4 stars). 3 submissions from 3 submitters: Benign (3). Last evaluated 2021-07-01.

Conditions:
Autosomal recessive limb-girdle muscular dystrophy type 2C (LGMDR5). Also called: MUSCULAR DYSTROPHY, LIMB-GIRDLE, AUTOSOMAL RECESSIVE 5; MUSCULAR DYSTROPHY, DUCHENNE-LIKE. Identifiers: Orphanet 353, MedGen C0410173, MONDO:0009677, OMIM 253700. Disease mechanism: Affects gamma-sarcoglycan and also disrupts the integrity of the entire sarcoglycan complex..

Allele frequency attached by ClinVar (database versions not stated): gnomAD 0.77702 and 0.78206; TOPMed 0.78209; 1000 Genomes Project 30x 0.79310; 1000 Genomes Project 0.79912; gnomAD exomes 0.83853.
gnomAD v4.1: 1,289,122 of 1,548,004 alleles (83%); highest among the groups gnomAD compares: Admixed American, 87%; 539,143 homozygotes.

Submissions (3):

Genome-Nilou Lab
Classification: Benign for Autosomal recessive limb-girdle muscular dystrophy type 2C. Last evaluated: 2021-07-01. Review status: criteria provided, single submitter. Criteria: ACMG Guidelines, 2015. Collection method: clinical testing. Allele origin: germline. Affected: no.

GeneDx
Classification: Benign. Last evaluated: 2018-06-14. Review status: criteria provided, single submitter. Criteria: GeneDx Variant Classification (06012015). Collection method: clinical testing. Allele origin: germline. Affected: yes.
Comment: This variant is considered likely benign or benign based on one or more of the following criteria: it is a conservative change, it occurs at a poorly conserved position in the protein, it is predicted to be benign by multiple in silico algorithms, and/or has population frequency not consistent with disease.

Breakthrough Genomics
Classification: Benign. Review status: criteria provided, single submitter. Criteria: ACMG Guidelines, 2015. Collection method: not provided. Allele origin: germline. Inheritance: Autosomal recessive inheritance. Affected: yes.

NM_000231.3(SGCG):c.703-53C>T

Gene: SGCG (sarcoglycan gamma; plus strand). Cytogenetic location: 13q12.12.
Variant type: single nucleotide variant.
Coding change: c.703-53C>T on transcript NM_000231.3 (MANE Select); 53 bases into the intron before coding-DNA position 703, C replaced by T.
Molecular consequence: intron variant.
Genome position (GRCh38, 1-based): chr13:23,324,315, C>T. VCF-style: chr13-23324315-C-T. GRCh37 (hg19) VCF-style: chr13-23898454-C-T.
Other names: c.757-53C>T (NM_001378244.1); c.703-53C>T (NM_001378245.1, NM_001378246.1).
Identifiers: ClinVar variation 670065 (VCV000670065.5), dbSNP rs9510700, ClinGen allele CA13869507.